The following is an entry in ClinVar:

NM_001364905.1(LRBA):c.5580+5G>A

Gene: LRBA (LPS responsive beige-like anchor protein; minus strand). Cytogenetic location: 4q31.3.
Variant type: single nucleotide variant.
Coding change: c.5580+5G>A on transcript NM_001364905.1 (MANE Select); 5 bases into the intron after coding-DNA position 5580, G replaced by A.
Molecular consequence: intron variant.
Genome position (GRCh38, 1-based): chr4:150,798,076, C>T on the plus strand (G>A on the coding strand, the complement: LRBA is on the minus strand). VCF-style: chr4-150798076-C-T. GRCh37 (hg19) VCF-style: chr4-151719228-C-T.
Other names: c.5580+5G>A (NM_001367550.1, NM_006726.5, NM_001199282.3 and 2 more transcripts).
Identifiers: ClinVar variation 935043 (VCV000935043.8), dbSNP rs376347820, ClinGen allele CA3102441.

ClinVar aggregate classification (germline): Uncertain significance (1 of 4 stars; one submission).

Conditions:
Combined immunodeficiency due to LRBA deficiency. Also called: Common variable immunodeficiency 8, with autoimmunity. Identifiers: Orphanet 445018, MedGen C3553512, MONDO:0013863, OMIM 614700.

Allele frequency attached by ClinVar (database versions not stated): gnomAD exomes below 0.00001; ExAC 0.00001; TOPMed 0.00001; ESP Exome Variant Server 0.00008.
gnomAD v4.1: 2 of 1,585,512 alleles (0.00013%); highest among the groups gnomAD compares: Non-Finnish European, 0.00017%; no homozygotes.

Submissions (2):

Labcorp Genetics (formerly Invitae), Labcorp
Classification: Uncertain significance for Combined immunodeficiency due to LRBA deficiency. Last evaluated: 2020-11-10. Review status: criteria provided, single submitter. Criteria: Invitae Variant Classification Sherloc (09022015). Collection method: clinical testing. Allele origin: germline.
Comment: This sequence change falls in intron 34 of the LRBA gene. It does not directly change the encoded amino acid sequence of the LRBA protein, but it affects a nucleotide within the consensus splice site of the intron. This variant is present in population databases (rs376347820, ExAC 0.002%). This variant has not been reported in the literature in individuals with LRBA-related conditions. Nucleotide substitutions within the consensus splice site are a relatively common cause of aberrant splicing (PMID: 17576681, 9536098). Algorithms developed to predict the effect of sequence changes on RNA splicing suggest that this variant may disrupt the consensus splice site, but this prediction has not been confirmed by published transcriptional studies. In summary, the available evidence is currently insufficient to determine the role of this variant in disease. Therefore, it has been classified as a Variant of Uncertain Significance.

Dr. Peter K. Rogan Lab, Western University
No classification provided (evidence only). Condition: Familial cancer of breast. Review status: no classification provided. Collection method: in vitro. Allele origin: not applicable. Functional consequence: skipped exon. Not counted in ClinVar's aggregate classification.

Literature cited by the submitters: PubMed 17576681 (cited by Labcorp Genetics (formerly Invitae), Labcorp); PubMed 9536098 (cited by Labcorp Genetics (formerly Invitae), Labcorp).